The following is an entry in ClinVar:

NM_001378615.1(CC2D2A):c.3509G>A (p.Arg1170Lys)

Genes: CC2D2A (coiled-coil and C2 domain containing 2A; plus strand), FBXL5 (F-box and leucine rich repeat protein 5; minus strand). Cytogenetic location: 4p15.32.
Variant type: single nucleotide variant.
Coding change: c.3509G>A on transcript NM_001378615.1 (MANE Select); coding-DNA position 3509, G replaced by A.
Protein change: p.Arg1170Lys; replaces arginine 1170 with lysine.
Molecular consequence: missense variant.
Genome position (GRCh38, 1-based): chr4:15,570,411, G>A. VCF-style: chr4-15570411-G-A. GRCh37 (hg19) VCF-style: chr4-15572034-G-A.
Other names: p.Arg1170Lys; c.3509G>A, p.Arg1170Lys (NM_001080522.2); c.3362G>A, p.Arg1121Lys (NM_001378617.1); short protein forms R1170K, R1121K.
Identifiers: ClinVar variation 126240 (VCV000126240.36), dbSNP rs61734948, ClinGen allele CA150871.

ClinVar aggregate classification (germline): Benign/Likely benign. Review status: criteria provided, multiple submitters, no conflicts (2 of 4 stars). 11 submissions from 10 submitters: Benign (6); Likely benign (2). 3 of the submissions do not count toward it. Last evaluated 2026-01-31.

Conditions:
Meckel-Gruber syndrome. Also called: DYSENCEPHALIA SPLANCHNOCYSTICA; GRUBER SYNDROME; Dysencephalia splachnocystica. Identifiers: Orphanet 564, MedGen C0265215, MONDO:0018921.
Joubert syndrome. Also called: Familial aplasia of the vermis; JOUBERT-BOLTSHAUSER SYNDROME. Identifiers: Orphanet 475, MedGen C5979921, MONDO:0018772.
Joubert syndrome 9 (JBTS9). Identifiers: Orphanet 2318, MedGen C2676788, MONDO:0012849, OMIM 612285.
Meckel syndrome, type 6. Identifiers: Orphanet 564, MedGen C2676790, MONDO:0012848, OMIM 612284.

Allele frequency attached by ClinVar (database versions not stated): gnomAD exomes 0.00061 and 0.00155; ExAC 0.00289; ESP Exome Variant Server 0.00509; gnomAD 0.00615 and 0.00656; TOPMed 0.00674; 1000 Genomes Project 0.00799; 1000 Genomes Project 30x 0.00828.
gnomAD v4.1: 1,852 of 1,599,478 alleles (0.12%); highest among the groups gnomAD compares: African/African-American, 2.2%; 25 homozygotes.

Submissions (11):

Labcorp Genetics (formerly Invitae), Labcorp
Classification: Benign for Joubert syndrome; Meckel-Gruber syndrome. Last evaluated: 2026-01-31. Review status: criteria provided, single submitter. Criteria: Invitae Variant Classification Sherloc (09022015). Collection method: clinical testing. Allele origin: germline.

CeGaT Center for Human Genetics Tuebingen
Classification: Benign. Last evaluated: 2025-07-01. Review status: criteria provided, single submitter. Criteria: CeGaT Center For Human Genetics Tuebingen Variant Classification Criteria Version 2. Collection method: clinical testing. Allele origin: germline. Affected: yes. Observed: 1 variant allele.
Comment: CC2D2A: BS1, BS2

Mayo Clinic Laboratories, Mayo Clinic
Classification: Benign. Last evaluated: 2024-09-18. Review status: criteria provided, single submitter. Criteria: ACMG Guidelines, 2015. Collection method: clinical testing. Allele origin: germline. Observed: 12 variant alleles.
Comment: BS1, BS2

Illumina Laboratory Services, Illumina
Classification: Benign for Joubert syndrome 9. Last evaluated: 2018-01-13. Review status: criteria provided, single submitter. Criteria: ICSL Variant Classification Criteria 13 December 2019. Collection method: clinical testing. Allele origin: germline.
Comment: This variant was observed in the ICSL laboratory as part of a predisposition screen in an ostensibly healthy population. It had not been previously curated by ICSL or reported in the Human Gene Mutation Database (HGMD: prior to June 1st, 2018), and was therefore a candidate for classification through an automated scoring system. Utilizing variant allele frequency, disease prevalence and penetrance estimates, and inheritance mode, an automated score was calculated to assess if this variant is too frequent to cause the disease. Based on the score and internal cut-off values, a variant classified as benign is not then subjected to further curation. The score for this variant resulted in a classification of benign for this disease.

Illumina Laboratory Services, Illumina
Classification: Likely benign for Meckel syndrome, type 6. Last evaluated: 2018-01-13. Review status: criteria provided, single submitter. Criteria: ICSL Variant Classification Criteria 13 December 2019. Collection method: clinical testing. Allele origin: germline.
Comment: This variant was observed in the ICSL laboratory as part of a predisposition screen in an ostensibly healthy population. It had not been previously curated by ICSL or reported in the Human Gene Mutation Database (HGMD: prior to June 1st, 2018), and was therefore a candidate for classification through an automated scoring system. Utilizing variant allele frequency, disease prevalence and penetrance estimates, and inheritance mode, an automated score was calculated to assess if this variant is too frequent to cause the disease. Based on the score and internal cut-off values, a variant classified as likely benign is not then subjected to further curation. The score for this variant resulted in a classification of likely benign for this disease.

GeneDx
Classification: Benign. Last evaluated: 2015-03-03. Review status: criteria provided, single submitter. Criteria: GeneDx Variant Classification Process June 2021. Collection method: clinical testing. Allele origin: germline. Affected: yes.

Breakthrough Genomics
Classification: Likely benign. Review status: criteria provided, single submitter. Criteria: ACMG Guidelines, 2015. Collection method: not provided. Allele origin: germline. Inheritance: Autosomal recessive inheritance. Affected: yes.

PreventionGenetics, part of Exact Sciences
Classification: Benign. Review status: criteria provided, single submitter. Criteria: ACMG Guidelines, 2015. Collection method: clinical testing. Allele origin: germline.

Clinical Genetics, Academic Medical Center
Classification: Benign. Review status: no assertion criteria provided. Collection method: clinical testing. Allele origin: germline. Affected: yes. Study: VKGL Data-share Consensus. Not counted in ClinVar's aggregate classification.

Genetic Services Laboratory, University of Chicago
Classification: Likely benign for AllHighlyPenetrant. Review status: no assertion criteria provided. Collection method: clinical testing. Allele origin: germline. Inheritance: Autosomal recessive inheritance. Observed: 1 variant allele. Not counted in ClinVar's aggregate classification.
Comment: Likely benign based on allele frequency in 1000 Genomes Project or ESP global frequency and its presence in a patient with a rare or unrelated disease phenotype. NOT Sanger confirmed.

Laboratory of Diagnostic Genome Analysis, Leiden University Medical Center (LUMC)
Classification: Likely benign. Review status: no assertion criteria provided. Collection method: clinical testing. Allele origin: germline. Affected: yes. Study: VKGL Data-share Consensus. Not counted in ClinVar's aggregate classification.

Literature cited by the submitters: PubMed 33574475 (cited by Mayo Clinic Laboratories, Mayo Clinic).